The following is an entry in ClinVar:

ClinVar aggregate classification (germline): Uncertain significance (1 of 4 stars; one submission).

Submission:

Dasa
Classification: Uncertain significance. Last evaluated: 2026-02-28. Review status: criteria provided, single submitter. Criteria: DASA Assertion Criteria. Collection method: clinical testing. Allele origin: germline.
Comment: NM_020822.3(KCNT1):c.2878T>C (p.Phe960Leu) is a missense variant that results in the substitution of phenylalanine with leucine. This variant is rare in population databases. Computational prediction algorithms are consistent with a deleterious effect. The currently available literature and clinical evidence are not sufficient to establish a definitive association between this variant and the reported condition. Therefore, this variant is classified as a variant of uncertain significance.

NM_020822.3(KCNT1):c.2878T>C (p.Phe960Leu)

Gene: KCNT1 (potassium sodium-activated channel subfamily T member 1; plus strand). Cytogenetic location: 9q34.3.
Variant type: single nucleotide variant.
Coding change: c.2878T>C on transcript NM_020822.3 (MANE Select); coding-DNA position 2878, T replaced by C.
Protein change: p.Phe960Leu; replaces phenylalanine 960 with leucine.
Molecular consequence: missense variant.
Genome position (GRCh38, 1-based): chr9:135,784,060, T>C. VCF-style: chr9-135784060-T-C. GRCh37 (hg19) VCF-style: chr9-138675906-T-C.
Other names: c.2743T>C, p.Phe915Leu (NM_001272003.2); short protein forms F915L, F960L.
Identifiers: ClinVar variation 4881564 (VCV004881564.2).